The following is an entry in ClinVar:

ClinVar aggregate classification (germline): Likely benign (1 of 4 stars; one submission).

Allele frequency attached by ClinVar (database versions not stated): gnomAD 0.02298 and 0.02357; TOPMed 0.02412; 1000 Genomes Project 0.02815; 1000 Genomes Project 30x 0.02998.
gnomAD v4.1: 3,590 of 152,186 alleles (2.4%); highest among the groups gnomAD compares: Admixed American, 4.4%; 57 homozygotes.

Submission:

GeneDx
Classification: Likely benign. Last evaluated: 2018-06-19. Review status: criteria provided, single submitter. Criteria: GeneDx Variant Classification (06012015). Collection method: clinical testing. Allele origin: germline. Affected: yes.
Comment: This variant is considered likely benign or benign based on one or more of the following criteria: it is a conservative change, it occurs at a poorly conserved position in the protein, it is predicted to be benign by multiple in silico algorithms, and/or has population frequency not consistent with disease.

NM_001382391.1(CSPP1):c.1697+227C>G

Gene: CSPP1 (centrosome and spindle pole associated protein 1; plus strand). Cytogenetic location: 8q13.2.
Variant type: single nucleotide variant.
Coding change: c.1697+227C>G on transcript NM_001382391.1 (MANE Select); 227 bases into the intron after coding-DNA position 1697, C replaced by G.
Molecular consequence: intron variant.
Genome position (GRCh38, 1-based): chr8:67,119,048, C>G. VCF-style: chr8-67119048-C-G. GRCh37 (hg19) VCF-style: chr8-68031283-C-G.
Other names: c.1655+227C>G (NM_001363132.2); c.1616+227C>G (NM_001363131.2); c.1574+227C>G (NM_001363133.2); c.1763+227C>G (NM_001364869.1); c.1682+227C>G (NM_024790.7, NM_001438331.1, NM_001438330.1); c.1583+227C>G (NM_001364870.1); c.1151+227C>G (NM_001438332.1); c.800+227C>G (NM_001291339.2).
Identifiers: ClinVar variation 679248 (VCV000679248.1), dbSNP rs148136225, ClinGen allele CA178212103.